The following is an entry in ClinVar:

NM_198428.3(BBS9):c.19C>T (p.Arg7Cys)

Gene: BBS9 (Bardet-Biedl syndrome 9; plus strand). Cytogenetic location: 7p14.3.
Variant type: single nucleotide variant.
Coding change: c.19C>T on transcript NM_198428.3 (MANE Select); coding-DNA position 19, C replaced by T.
Protein change: p.Arg7Cys; replaces arginine 7 with cysteine.
Molecular consequence: missense variant. On other transcripts: 5 prime UTR variant (3), non-coding transcript variant (3), intron variant (4).
Genome position (GRCh38, 1-based): chr7:33,146,271, C>T. VCF-style: chr7-33146271-C-T. GRCh37 (hg19) VCF-style: chr7-33185883-C-T.
Other names: c.19C>T, p.Arg7Cys (NM_001033604.2, NM_001033605.2, NM_001348036.1 and 5 more transcripts); c.-283C>T (NM_001348037.3); c.-259C>T (NM_001348038.3, NM_001348039.3); c.-23-6430C>T (NM_001348042.3); c.-189-6430C>T (NM_001348045.3); c.-39+16230C>T (NM_001348046.3, NM_001348044.3); short protein forms R7C.
Identifiers: ClinVar variation 844363 (VCV000844363.11), dbSNP rs184994140, ClinGen allele CA4213849.

ClinVar aggregate classification (germline): Uncertain significance. Review status: criteria provided, multiple submitters, no conflicts (2 of 4 stars). 4 submissions from 4 submitters: Uncertain significance (3). 1 of the submissions does not count toward it. Last evaluated 2024-03-25.

Conditions:
Bardet-Biedl syndrome (BBS). Identifiers: Orphanet 110, MedGen C0752166, MONDO:0015229.
BBS9-related disorder. Also called: BBS9-related condition.
Bardet-Biedl syndrome 9 (BBS9). Identifiers: Orphanet 110, MedGen C1859567, MONDO:0014437, OMIM 615986.

Allele frequency attached by ClinVar (database versions not stated): TOPMed 0.00001; 1000 Genomes Project 0.00020; 1000 Genomes Project 30x 0.00031.

Submissions (4):

Blueprint Genetics
Classification: Uncertain significance. Last evaluated: 2024-03-25. Review status: criteria provided, single submitter. Criteria: ACMG Guidelines, 2015. Collection method: clinical testing. Allele origin: germline.

Fulgent Genetics
Classification: Uncertain significance for Bardet-Biedl syndrome 9. Last evaluated: 2022-04-28. Review status: criteria provided, single submitter. Criteria: ACMG Guidelines, 2015. Collection method: clinical testing. Allele origin: unknown.

Labcorp Genetics (formerly Invitae), Labcorp
Classification: Uncertain significance for Bardet-Biedl syndrome. Last evaluated: 2021-08-24. Review status: criteria provided, single submitter. Criteria: Invitae Variant Classification Sherloc (09022015). Collection method: clinical testing. Allele origin: germline.
Comment: This sequence change replaces arginine with cysteine at codon 7 of the BBS9 protein (p.Arg7Cys). The arginine residue is highly conserved and there is a large physicochemical difference between arginine and cysteine. This variant is present in population databases (rs184994140, ExAC 0.02%). This variant has not been reported in the literature in individuals affected with BBS9-related conditions. Algorithms developed to predict the effect of missense changes on protein structure and function (SIFT, PolyPhen-2, Align-GVGD) all suggest that this variant is likely to be disruptive. In summary, the available evidence is currently insufficient to determine the role of this variant in disease. Therefore, it has been classified as a Variant of Uncertain Significance.

PreventionGenetics, part of Exact Sciences
Classification: Uncertain significance for BBS9-related condition. Last evaluated: 2023-12-24. Review status: no assertion criteria provided. Collection method: clinical testing. Allele origin: germline. Not counted in ClinVar's aggregate classification.
Comment: The BBS9 c.19C>T variant is predicted to result in the amino acid substitution p.Arg7Cys. To our knowledge, this variant has not been reported in the literature. This variant is reported in 0.0054% of alleles in individuals of East Asian descent in gnomAD. At this time, the clinical significance of this variant is uncertain due to the absence of conclusive functional and genetic evidence.